The following is an entry in ClinVar:

NM_000061.3(BTK):c.1379T>A (p.Leu460Ter)

Gene: BTK (Bruton tyrosine kinase; minus strand). Cytogenetic location: Xq22.1.
Variant type: single nucleotide variant.
Coding change: c.1379T>A on transcript NM_000061.3 (MANE Select); coding-DNA position 1379, T replaced by A.
Protein change: p.Leu460Ter; replaces leucine 460 with a stop codon.
Molecular consequence: nonsense. On other transcripts: intron variant (1).
Genome position (GRCh38, 1-based): chrX:101,356,239, A>T on the plus strand (T>A on the coding strand, the complement: BTK is on the minus strand). VCF-style: chrX-101356239-A-T. GRCh37 (hg19) VCF-style: chrX-100611227-A-T.
Other names: c.1481T>A, p.Leu494Ter (NM_001287344.2); c.1039-1545T>A (NM_001287345.2); short protein forms L460*, L494*.
Identifiers: ClinVar variation 1071572 (VCV001071572.9), dbSNP rs2147427562, ClinGen allele CA413924460.
Genomic context (GRCh38, chrX:101,356,239, plus strand): 5'-CCATTGGCCATGTACTCAGTGATGATGAAGATGGGGCGCTGCTTGGTGCAGACGCCATAC[A>T]ACTGCACCAGCTTCTCATGGGAAAGATTCCTACAGGAAAGGCAAGGAACTAGTCTTCTCC-3'

ClinVar aggregate classification (germline): Pathogenic (1 of 4 stars; one submission).

Conditions:
X-linked agammaglobulinemia with growth hormone deficiency (IGHD3). Also called: Isolated growth hormone deficiency type 3; Growth hormone deficiency with hypogammaglobulinemia; AGAMMAGLOBULINEMIA AND ISOLATED GROWTH HORMONE DEFICIENCY, X-LINKED; ISOLATED GROWTH HORMONE DEFICIENCY, TYPE III, WITH AGAMMAGLOBULINEMIA; FLEISHER SYNDROME; HYPOGAMMAGLOBULINEMIA AND ISOLATED GROWTH HORMONE DEFICIENCY, X-LINKED. Identifiers: Orphanet 231692, Orphanet 631, MedGen C0472813, MONDO:0010615, OMIM 307200.

Submission:

Labcorp Genetics (formerly Invitae), Labcorp
Classification: Pathogenic for X-linked agammaglobulinemia with growth hormone deficiency. Last evaluated: 2020-11-29. Review status: criteria provided, single submitter. Criteria: Invitae Variant Classification Sherloc (09022015). Collection method: clinical testing. Allele origin: germline.
Comment: For these reasons, this variant has been classified as Pathogenic. Loss-of-function variants in BTK are known to be pathogenic (PMID: 15661032, 16862044, 19419768). This variant has been observed in individual(s) with agammaglobulinemia (PMID: 9545398). This variant is not present in population databases (ExAC no frequency). This sequence change creates a premature translational stop signal (p.Leu460*) in the BTK gene. It is expected to result in an absent or disrupted protein product.

Literature cited by the submitters: PubMed 15661032; PubMed 16862044; PubMed 19419768; PubMed 9545398.